The following is an entry in ClinVar:

ClinVar aggregate classification (germline): Uncertain significance (1 of 4 stars; one submission).

Conditions:
Retinitis pigmentosa 20 (RP20). Identifiers: Orphanet 791, MedGen C3151086, MONDO:0013425, OMIM 613794.
Leber congenital amaurosis 2 (LCA2). Also called: Autosomal Recessive RPE65-Related Retinal Degeneration; AMAUROSIS CONGENITA OF LEBER II. Identifiers: Orphanet 65, MedGen C1859844, MONDO:0008765, OMIM 204100. Disease mechanism: loss of function.

Submission:

Labcorp Genetics (formerly Invitae), Labcorp
Classification: Uncertain significance for Leber congenital amaurosis 2; Retinitis pigmentosa 20. Last evaluated: 2021-11-12. Review status: criteria provided, single submitter. Criteria: Invitae Variant Classification Sherloc (09022015). Collection method: clinical testing. Allele origin: germline.
Comment: Advanced modeling of protein sequence and biophysical properties (such as structural, functional, and spatial information, amino acid conservation, physicochemical variation, residue mobility, and thermodynamic stability) performed at Invitae indicates that this missense variant is expected to disrupt RPE65 protein function. In summary, the available evidence is currently insufficient to determine the role of this variant in disease. Therefore, it has been classified as a Variant of Uncertain Significance. This variant has not been reported in the literature in individuals affected with RPE65-related conditions. This sequence change replaces valine, which is neutral and non-polar, with phenylalanine, which is neutral and non-polar, at codon 486 of the RPE65 protein (p.Val486Phe). This variant is not present in population databases (gnomAD no frequency).

NM_000329.3(RPE65):c.1456G>T (p.Val486Phe)

Gene: RPE65 (retinoid isomerohydrolase RPE65; minus strand). Cytogenetic location: 1p31.3.
Variant type: single nucleotide variant.
Coding change: c.1456G>T on transcript NM_000329.3 (MANE Select); coding-DNA position 1456, G replaced by T.
Protein change: p.Val486Phe; replaces valine 486 with phenylalanine.
Molecular consequence: missense variant.
Genome position (GRCh38, 1-based): chr1:68,429,922, C>A on the plus strand (G>T on the coding strand, the complement: RPE65 is on the minus strand). VCF-style: chr1-68429922-C-A. GRCh37 (hg19) VCF-style: chr1-68895605-C-A.
Other names: short protein forms V486F.
Identifiers: ClinVar variation 1350973 (VCV001350973.6), dbSNP rs2100805317, ClinGen allele CA340741519.
Genomic context (GRCh38, chr1:68,429,922, plus strand): 5'-TCAGAATCAGGAGATAAGCAGGCTTTTGTCCTGCTCCTGGGCTCACCACCACACTCAGAA[C>A]TACACCTGTTTATCAGAAGTAAATTAGGCAATATTGAGTTTTTAAAAGCCCAAGCTATAG-3'
Protein context (NP_000320.1, residues 476-496): PDALEEDDGV[Val486Phe]LSVVVSPGAG